The following is an entry in ClinVar:

ClinVar aggregate classification (germline): Conflicting classifications of pathogenicity. Review status: criteria provided, conflicting classifications (1 of 4 stars). 2 submissions from 2 submitters: Uncertain significance (1); Likely benign (1). Last evaluated 2023-03-23.

Conditions:
Hereditary cancer-predisposing syndrome. Also called: Hereditary Cancer Syndrome; Neoplastic Syndromes, Hereditary; Tumor predisposition; Hereditary neoplastic syndrome. Identifiers: Orphanet 140162, MedGen C0027672, MeSH D009386, MONDO:0015356.
Hereditary breast ovarian cancer syndrome. Also called: Breast and ovarian cancer; Hereditary breast and ovarian cancer syndrome (HBOC); Hereditary breast and ovarian cancer; Hereditary breast and/or ovarian cancer syndrome; BRCA1- and BRCA2-Associated Hereditary Breast and Ovarian Cancer; Hereditary breast and ovarian cancer syndrome. Identifiers: Orphanet 145, MedGen C0677776, MeSH D061325, MONDO:0003582. Disease mechanism: loss of function.

gnomAD v4.1: 1 of 1,613,352 alleles (0.000062%); no homozygotes.

Submissions (2):

University of Washington Department of Laboratory Medicine, University of Washington
Classification: Likely benign for Hereditary cancer-predisposing syndrome. Last evaluated: 2023-03-23. Review status: criteria provided, single submitter. Criteria: Dines et al. (Genet Med. 2020). Collection method: curation. Allele origin: germline.
Comment: Missense variant in a coldspot region where missense variants are very unlikely to be pathogenic (PMID:31911673).

BRCA2 exon 11 coldspot. Reclassification based on statistical prior probability.

Labcorp Genetics (formerly Invitae), Labcorp
Classification: Uncertain significance for Hereditary breast ovarian cancer syndrome. Last evaluated: 2020-03-23. Review status: criteria provided, single submitter. Criteria: Invitae Variant Classification Sherloc (09022015). Collection method: clinical testing. Allele origin: germline.
Comment: In summary, the available evidence is currently insufficient to determine the role of this variant in disease. Therefore, it has been classified as a Variant of Uncertain Significance. Algorithms developed to predict the effect of missense changes on protein structure and function output the following: SIFT: "Tolerated"; PolyPhen-2: "Benign"; Align-GVGD: "Class C0". The aspartic acid amino acid residue is found in multiple mammalian species, suggesting that this missense change does not adversely affect protein function. These predictions have not been confirmed by published functional studies and their clinical significance is uncertain. This variant has been reported in individuals in the Leiden Open-source Variation Database (PMID: 21520333). This variant is not present in population databases (ExAC no frequency). This sequence change replaces asparagine with aspartic acid at codon 1833 of the BRCA2 protein (p.Asn1833Asp). The asparagine residue is weakly conserved and there is a small physicochemical difference between asparagine and aspartic acid.

Literature cited by the submitters: PubMed 21520333 (cited by Labcorp Genetics (formerly Invitae), Labcorp).

NM_000059.4(BRCA2):c.5497A>G (p.Asn1833Asp)

Gene: BRCA2 (BRCA2 DNA repair associated; plus strand). Cytogenetic location: 13q13.1.
Variant type: single nucleotide variant.
Coding change: c.5497A>G on transcript NM_000059.4 (MANE Select); coding-DNA position 5497, A replaced by G.
Protein change: p.Asn1833Asp; replaces asparagine 1833 with aspartic acid.
Molecular consequence: missense variant.
Genome position (GRCh38, 1-based): chr13:32,339,852, A>G. VCF-style: chr13-32339852-A-G. GRCh37 (hg19) VCF-style: chr13-32913989-A-G.
Other names: short protein forms N1833D.
Identifiers: ClinVar variation 1024893 (VCV001024893.10), dbSNP rs2072530840, ClinGen allele CA387785779.